The following is an entry in ClinVar:

ClinVar aggregate classification (germline): Uncertain significance. Review status: criteria provided, multiple submitters, no conflicts (2 of 4 stars). 2 submissions from 2 submitters: Uncertain significance (2). Last evaluated 2026-01-24.

Allele frequency attached by ClinVar (database versions not stated): gnomAD 0.00006; ExAC 0.00007; TOPMed 0.00007; gnomAD exomes 0.00010 and 0.00019.
gnomAD v4.1: 276 of 1,614,006 alleles (0.017%); highest among the groups gnomAD compares: Non-Finnish European, 0.021%; no homozygotes.

Submissions (2):

Labcorp Genetics (formerly Invitae), Labcorp
Classification: Uncertain significance. Last evaluated: 2026-01-24. Review status: criteria provided, single submitter. Criteria: Invitae Variant Classification Sherloc (09022015). Collection method: clinical testing. Allele origin: germline.
Comment: This sequence change replaces arginine, which is basic and polar, with tryptophan, which is neutral and slightly polar, at codon 425 of the MCM5 protein (p.Arg425Trp). The frequency data for this variant in the population databases is considered unreliable, as metrics indicate poor data quality at this position in the gnomAD database. This variant has not been reported in the literature in individuals affected with MCM5-related conditions. ClinVar contains an entry for this variant (Variation ID: 1420405). Invitae Evidence Modeling of protein sequence and biophysical properties (such as structural, functional, and spatial information, amino acid conservation, physicochemical variation, residue mobility, and thermodynamic stability) indicates that this missense variant is expected to disrupt MCM5 protein function with a positive predictive value of 80%. In summary, the available evidence is currently insufficient to determine the role of this variant in disease. Therefore, it has been classified as a Variant of Uncertain Significance.

Ambry Genetics
Classification: Uncertain significance. Last evaluated: 2025-07-14. Review status: criteria provided, single submitter. Criteria: Ambry Variant Classification Scheme 2023. Collection method: clinical testing. Allele origin: germline.

NM_006739.4(MCM5):c.1273C>T (p.Arg425Trp)

Gene: MCM5 (minichromosome maintenance complex component 5; plus strand). Cytogenetic location: 22q12.3.
Variant type: single nucleotide variant.
Coding change: c.1273C>T on transcript NM_006739.4 (MANE Select); coding-DNA position 1273, C replaced by T.
Protein change: p.Arg425Trp; replaces arginine 425 with tryptophan.
Molecular consequence: missense variant.
Genome position (GRCh38, 1-based): chr22:35,415,898, C>T. VCF-style: chr22-35415898-C-T. GRCh37 (hg19) VCF-style: chr22-35811891-C-T.
Other names: c.1273C>T (NM_006739.3); short protein forms R425W.
Identifiers: ClinVar variation 1420405 (VCV001420405.10), dbSNP rs768089056, ClinGen allele CA10205320.